The following is an entry in ClinVar:

ClinVar aggregate classification (germline): Uncertain significance (1 of 4 stars; one submission).

Allele frequency attached by ClinVar (database versions not stated): gnomAD exomes 0.00001.
gnomAD v4.1: 4 of 1,614,202 alleles (0.00025%); highest among the groups gnomAD compares: Admixed American, 0.0067%; no homozygotes.

Submission:

Labcorp Genetics (formerly Invitae), Labcorp
Classification: Uncertain significance. Last evaluated: 2022-08-09. Review status: criteria provided, single submitter. Criteria: Invitae Variant Classification Sherloc (09022015). Collection method: clinical testing. Allele origin: germline.
Comment: This sequence change replaces serine, which is neutral and polar, with asparagine, which is neutral and polar, at codon 49 of the CD40 protein (p.Ser49Asn). This variant is present in population databases (no rsID available, gnomAD 0.003%). This variant has not been reported in the literature in individuals affected with CD40-related conditions. ClinVar contains an entry for this variant (Variation ID: 1507855). Algorithms developed to predict the effect of missense changes on protein structure and function output the following: SIFT: "Tolerated"; PolyPhen-2: "Benign"; Align-GVGD: "Class C0". The asparagine amino acid residue is found in multiple mammalian species, which suggests that this missense change does not adversely affect protein function. Algorithms developed to predict the effect of sequence changes on RNA splicing suggest that this variant may disrupt the consensus splice site. In summary, the available evidence is currently insufficient to determine the role of this variant in disease. Therefore, it has been classified as a Variant of Uncertain Significance.

NM_001250.6(CD40):c.146G>A (p.Ser49Asn)

Gene: CD40 (CD40 molecule; plus strand). Cytogenetic location: 20q13.12.
Variant type: single nucleotide variant.
Coding change: c.146G>A on transcript NM_001250.6 (MANE Select); coding-DNA position 146, G replaced by A.
Protein change: p.Ser49Asn; replaces serine 49 with asparagine.
Molecular consequence: missense variant. On other transcripts: non-coding transcript variant (2).
Genome position (GRCh38, 1-based): chr20:46,122,248, G>A. VCF-style: chr20-46122248-G-A. GRCh37 (hg19) VCF-style: chr20-44750887-G-A.
Other names: c.146G>A, p.Ser49Asn (NM_001302753.2, NM_001322421.2, NM_001322422.2 and 2 more transcripts); short protein forms S49N.
Identifiers: ClinVar variation 1507855 (VCV001507855.3), dbSNP rs1299633835, ClinGen allele CA409203370.